The following is an entry in ClinVar:

NM_201384.3(PLEC):c.5498G>A (p.Arg1833Gln)

Gene: PLEC (plectin; minus strand). Cytogenetic location: 8q24.3.
Variant type: single nucleotide variant.
Coding change: c.5498G>A on transcript NM_201384.3 (MANE Select); coding-DNA position 5498, G replaced by A.
Protein change: p.Arg1833Gln; replaces arginine 1833 with glutamine.
Molecular consequence: missense variant.
Genome position (GRCh38, 1-based): chr8:143,924,431, C>T on the plus strand (G>A on the coding strand, the complement: PLEC is on the minus strand). VCF-style: chr8-143924431-C-T. GRCh37 (hg19) VCF-style: chr8-144998599-C-T.
Other names: c.5579G>A, p.Arg1860Gln (NM_000445.5); c.5456G>A, p.Arg1819Gln (NM_201378.4); c.5432G>A, p.Arg1811Gln (NM_201379.3); c.5909G>A, p.Arg1970Gln (NM_201380.4); c.5402G>A, p.Arg1801Gln (NM_201381.3); c.5498G>A, p.Arg1833Gln (NM_201382.4); c.5510G>A, p.Arg1837Gln (NM_201383.3); c.5579G>A (NM_000445.3); short protein forms R1801Q, R1819Q, R1811Q, R1833Q, R1860Q, R1837Q, R1970Q.
Identifiers: ClinVar variation 471607 (VCV000471607.14), dbSNP rs369277699, ClinGen allele CA4926343.

ClinVar aggregate classification (germline): Conflicting classifications of pathogenicity. Review status: criteria provided, conflicting classifications (1 of 4 stars). 5 submissions from 5 submitters: Uncertain significance (4); Likely benign (1). Last evaluated 2025-11-20.

Conditions:
PLEC-related disorder. Also called: PLEC-related disorders; PLEC-related condition.
Inborn genetic diseases. Identifiers: MedGen C0950123, MeSH D030342.
Autosomal recessive limb-girdle muscular dystrophy type 2Q (LGMDR17). Also called: MUSCULAR DYSTROPHY, LIMB-GIRDLE, AUTOSOMAL RECESSIVE 17. Identifiers: Orphanet 254361, MedGen C3150989, MONDO:0013390, OMIM 613723.
Epidermolysis bullosa simplex with nail dystrophy (EBS5D). Identifiers: MedGen C4225309, MONDO:0014661, OMIM 616487.
Epidermolysis bullosa simplex 5C, with pyloric atresia (EBS5C). Also called: PLEC-Related Epidermolysis Bullosa with Pyloric Atresia; Epidermolysis bullosa simplex with pyloric atresia; PLEC1-Related Epidermolysis Bullosa with Pyloric Atresia. Identifiers: Orphanet 158684, MedGen C2677349, MONDO:0012807, OMIM 612138.
Epidermolysis bullosa simplex, Ogna type (EBS5A). Also called: Pidermolysis bullosa simplex 5A, Ogna type; EPIDERMOLYSIS BULLOSA SIMPLEX 5A, OGNA TYPE. Identifiers: Orphanet 79401, MedGen C0432317, MONDO:0007555, OMIM 131950.
Epidermolysis bullosa simplex 5B, with muscular dystrophy (EBS5B). Also called: EPIDERMOLYSIS BULLOSA SIMPLEX AND LIMB-GIRDLE MUSCULAR DYSTROPHY; Epidermolysis bullosa simplex with muscular dystrophy. Identifiers: Orphanet 257, MedGen C2931072, MONDO:0009181, OMIM 226670.

Allele frequency attached by ClinVar (database versions not stated): TOPMed 0.00007; gnomAD 0.00010 and 0.00013; ESP Exome Variant Server 0.00012; 1000 Genomes Project 30x 0.00016; 1000 Genomes Project 0.00020; gnomAD exomes 0.00035; ExAC 0.00054.
gnomAD v4.1: 258 of 1,581,648 alleles (0.016%); highest among the groups gnomAD compares: South Asian, 0.14%; 3 homozygotes.

Submissions (5):

Labcorp Genetics (formerly Invitae), Labcorp
Classification: Uncertain significance for Autosomal recessive limb-girdle muscular dystrophy type 2Q; Epidermolysis bullosa simplex, Ogna type; Epidermolysis bullosa simplex with nail dystrophy; Epidermolysis bullosa simplex 5C, with pyloric atresia; Epidermolysis bullosa simplex 5B, with muscular dystrophy. Last evaluated: 2025-11-20. Review status: criteria provided, single submitter. Criteria: Invitae Variant Classification Sherloc (09022015). Collection method: clinical testing. Allele origin: germline.
Comment: This sequence change replaces arginine, which is basic and polar, with glutamine, which is neutral and polar, at codon 1860 of the PLEC protein (p.Arg1860Gln). This variant is present in population databases (rs369277699, gnomAD 0.2%). This variant has not been reported in the literature in individuals affected with PLEC-related conditions. ClinVar contains an entry for this variant (Variation ID: 471607). Experimental studies and prediction algorithms are not available or were not evaluated, and the functional significance of this variant is currently unknown. In summary, the available evidence is currently insufficient to determine the role of this variant in disease. Therefore, it has been classified as a Variant of Uncertain Significance.

PreventionGenetics, part of Exact Sciences
Classification: Likely benign for PLEC-related condition. Last evaluated: 2024-12-19. Review status: criteria provided, single submitter. Criteria: ACMG Guidelines, 2015. Collection method: clinical testing. Allele origin: germline.
Comment: This variant is classified as likely benign based on ACMG/AMP sequence variant interpretation guidelines (Richards et al. 2015 PMID: 25741868, with internal and published modifications).

Women's Health and Genetics/Laboratory Corporation of America, LabCorp
Classification: Uncertain significance. Last evaluated: 2024-11-22. Review status: criteria provided, single submitter. Criteria: LabCorp Variant Classification Summary - May 2015. Collection method: clinical testing. Allele origin: germline.
Comment: Variant summary: PLEC c.5579G>A (p.Arg1860Gln) results in a conservative amino acid change in the encoded protein sequence. Three of five in-silico tools predict a damaging effect of the variant on protein function. The variant allele was found at a frequency of 0.00035 in 197638 control chromosomes. This frequency is not significantly higher than estimated for a pathogenic variant in PLEC causing PLEC-Related Disorders, allowing no conclusion about variant significance. To our knowledge, no occurrence of c.5579G>A in individuals affected with PLEC-Related Disorders and no experimental evidence demonstrating its impact on protein function have been reported. ClinVar contains an entry for this variant (Variation ID: 471607). Based on the evidence outlined above, the variant was classified as uncertain significance.

Ambry Genetics
Classification: Uncertain significance for Inborn genetic diseases. Last evaluated: 2024-04-12. Review status: criteria provided, single submitter. Criteria: Ambry Variant Classification Scheme 2023. Collection method: clinical testing. Allele origin: germline.

Eurofins Ntd Llc (ga)
Classification: Uncertain significance. Last evaluated: 2017-01-16. Review status: criteria provided, single submitter. Criteria: EGL Classification Definitions 2015. Collection method: clinical testing. Allele origin: germline. Observed: 3 variant alleles, 2 heterozygotes.